The following is an entry in ClinVar:

NM_020338.4(ZMIZ1):c.37G>A (p.Asp13Asn)

Gene: ZMIZ1 (zinc finger MIZ-type containing 1; plus strand). Cytogenetic location: 10q22.3.
Variant type: single nucleotide variant.
Coding change: c.37G>A on transcript NM_020338.4 (MANE Select); coding-DNA position 37, G replaced by A.
Protein change: p.Asp13Asn; replaces aspartic acid 13 with asparagine.
Molecular consequence: missense variant.
Genome position (GRCh38, 1-based): chr10:79,201,669, G>A. VCF-style: chr10-79201669-G-A. GRCh37 (hg19) VCF-style: chr10-80961426-G-A.
Other names: short protein forms D13N.
Identifiers: ClinVar variation 1801953 (VCV001801953.1), dbSNP rs2493325301, ClinGen allele CA377413092.
Genomic context (GRCh38, chr10:79,201,669, plus strand): 5'-GTAGAACCTAGTGAAACGGCCAGAATGAATTCTATGGACAGGCACATCCAGCAGACCAAT[G>A]ACCGACTGCAGTGCATCAAGCAGGTGGGTGTGGGGCAAGGCACACTCCGAGGGCGGGGCA-3'
Protein context (NP_065071.1, residues 3-23): SMDRHIQQTN[Asp13Asn]RLQCIKQHLQ

ClinVar aggregate classification (germline): Uncertain significance (1 of 4 stars; one submission).

Submission:

GeneDx
Classification: Uncertain significance. Last evaluated: 2022-06-01. Review status: criteria provided, single submitter. Criteria: GeneDx Variant Classification Process June 2021. Collection method: clinical testing. Allele origin: germline. Affected: yes.
Comment: Not observed at significant frequency in large population cohorts (gnomAD); In silico analysis supports that this missense variant does not alter protein structure/function; Has not been previously published as pathogenic or benign to our knowledge